The following is an entry in ClinVar:

ClinVar aggregate classification (germline): Uncertain significance (1 of 4 stars; one submission).

Conditions:
Aortic aneurysm, familial thoracic 4 (AAT4). Also called: AORTIC ANEURYSM/AORTIC DISSECTION AND PATENT DUCTUS ARTERIOSUS. Identifiers: MedGen C1851504, MONDO:0007568, OMIM 132900.

gnomAD v4.1: 1 of 1,614,104 alleles (0.000062%); no homozygotes.

Submission:

Labcorp Genetics (formerly Invitae), Labcorp
Classification: Uncertain significance for Aortic aneurysm, familial thoracic 4. Last evaluated: 2024-04-08. Review status: criteria provided, single submitter. Criteria: Invitae Variant Classification Sherloc (09022015). Collection method: clinical testing. Allele origin: germline.
Comment: This sequence change replaces glutamine, which is neutral and polar, with leucine, which is neutral and non-polar, at codon 1547 of the MYH11 protein (p.Gln1547Leu). This variant is not present in population databases (gnomAD no frequency). This variant has not been reported in the literature in individuals affected with MYH11-related conditions. Advanced modeling of protein sequence and biophysical properties (such as structural, functional, and spatial information, amino acid conservation, physicochemical variation, residue mobility, and thermodynamic stability) performed at Invitae indicates that this missense variant is not expected to disrupt MYH11 protein function with a negative predictive value of 95%. In summary, the available evidence is currently insufficient to determine the role of this variant in disease. Therefore, it has been classified as a Variant of Uncertain Significance.

NM_002474.3(MYH11):c.4619A>T (p.Gln1540Leu)

Genes: MYH11 (myosin heavy chain 11; minus strand), NDE1 (nudE neurodevelopment protein 1; plus strand). Cytogenetic location: 16p13.11.
Variant type: single nucleotide variant.
Coding change: c.4619A>T on transcript NM_002474.3 (MANE Select); coding-DNA position 4619, A replaced by T.
Protein change: p.Gln1540Leu; replaces glutamine 1540 with leucine.
Molecular consequence: missense variant. On other transcripts: intron variant (2).
Genome position (GRCh38, 1-based): chr16:15,721,011, T>A on the plus strand (A>T on the coding strand, the complement: MYH11 is on the minus strand). VCF-style: chr16-15721011-T-A. GRCh37 (hg19) VCF-style: chr16-15814868-T-A.
Other names: c.4640A>T, p.Gln1547Leu (NM_001040113.2, NM_001040114.2); c.4619A>T, p.Gln1540Leu (NM_022844.3); c.948-3180T>A (NM_001143979.2, NM_017668.3); short protein forms Q1540L, Q1547L.
Identifiers: ClinVar variation 3649162 (VCV003649162.2).
Genomic context (GRCh38, chr16:15,721,011, plus strand): 5'-TCCTCCGTGGCTTGCAGCTCGTCCTCCAGCTCTTCCAGCTGCGTCTTCATCTCCTCCATC[T>A]GGGTCTCCAGGGCCCGCTTGGACTTCTCCAGCTCATGGACCTGCCGGCAGAGCGGGCAGC-3'
Protein context (NP_002465.1, residues 1530-1550): LEKSKRALET[Gln1540Leu]MEEMKTQLEE